The following is an entry in ClinVar:

ClinVar aggregate classification (germline): Uncertain significance (1 of 4 stars; one submission).

Conditions:
Cardiovascular phenotype. Identifiers: MedGen CN230736.

Submission:

Ambry Genetics
Classification: Uncertain significance for Cardiovascular phenotype. Last evaluated: 2025-12-26. Review status: criteria provided, single submitter. Criteria: Ambry Variant Classification Scheme 2023. Collection method: clinical testing. Allele origin: germline.
Comment: The p.D2710H variant (also known as c.8128G>C), located in coding exon 26 of the APOB gene, results from a G to C substitution at nucleotide position 8128. The aspartic acid at codon 2710 is replaced by histidine, an amino acid with similar properties. This amino acid position is conserved. In addition, this alteration is predicted to be tolerated by in silico analysis. Based on the available evidence, the clinical significance of this variant remains unclear.

NM_000384.3(APOB):c.8128G>C (p.Asp2710His)

Gene: APOB (apolipoprotein B; minus strand). Cytogenetic location: 2p24.1.
Variant type: single nucleotide variant.
Coding change: c.8128G>C on transcript NM_000384.3 (MANE Select); coding-DNA position 8128, G replaced by C.
Protein change: p.Asp2710His; replaces aspartic acid 2710 with histidine.
Molecular consequence: missense variant.
Genome position (GRCh38, 1-based): chr2:21,008,740, C>G on the plus strand (G>C on the coding strand, the complement: APOB is on the minus strand). VCF-style: chr2-21008740-C-G. GRCh37 (hg19) VCF-style: chr2-21231612-C-G.
Other names: short protein forms D2710H.
Identifiers: ClinVar variation 4842885 (VCV004842885.1).